The following is an entry in ClinVar:

ClinVar aggregate classification (germline): Uncertain significance (1 of 4 stars; one submission).

Conditions:
Combined immunodeficiency due to LRBA deficiency. Also called: Common variable immunodeficiency 8, with autoimmunity. Identifiers: Orphanet 445018, MedGen C3553512, MONDO:0013863, OMIM 614700.

Allele frequency attached by ClinVar (database versions not stated): gnomAD exomes below 0.00001.
gnomAD v4.1: 1 of 1,613,758 alleles (0.000062%); highest among the groups gnomAD compares: Non-Finnish European, 0.000085%; no homozygotes.

Submission:

Labcorp Genetics (formerly Invitae), Labcorp
Classification: Uncertain significance for Combined immunodeficiency due to LRBA deficiency. Last evaluated: 2022-04-04. Review status: criteria provided, single submitter. Criteria: Invitae Variant Classification Sherloc (09022015). Collection method: clinical testing. Allele origin: germline.
Comment: This sequence change replaces serine, which is neutral and polar, with arginine, which is basic and polar, at codon 174 of the LRBA protein (p.Ser174Arg). This variant is not present in population databases (gnomAD no frequency). This variant has not been reported in the literature in individuals affected with LRBA-related conditions. Algorithms developed to predict the effect of missense changes on protein structure and function are either unavailable or do not agree on the potential impact of this missense change (SIFT: "Tolerated"; PolyPhen-2: "Probably Damaging"; Align-GVGD: "Class C0"). In summary, the available evidence is currently insufficient to determine the role of this variant in disease. Therefore, it has been classified as a Variant of Uncertain Significance.

NM_001364905.1(LRBA):c.522T>G (p.Ser174Arg)

Gene: LRBA (LPS responsive beige-like anchor protein; minus strand). Cytogenetic location: 4q31.3.
Variant type: single nucleotide variant.
Coding change: c.522T>G on transcript NM_001364905.1 (MANE Select); coding-DNA position 522, T replaced by G.
Protein change: p.Ser174Arg; replaces serine 174 with arginine.
Molecular consequence: missense variant.
Genome position (GRCh38, 1-based): chr4:150,928,543, A>C on the plus strand (T>G on the coding strand, the complement: LRBA is on the minus strand). VCF-style: chr4-150928543-A-C. GRCh37 (hg19) VCF-style: chr4-151849695-A-C.
Other names: c.522T>G, p.Ser174Arg (NM_001199282.3, NM_001367550.1, NM_006726.5); short protein forms S174R.
Identifiers: ClinVar variation 2121374 (VCV002121374.4), dbSNP rs1734121626, ClinGen allele CA358439008.